The following is an entry in ClinVar:

ClinVar aggregate classification (germline): Uncertain significance. Review status: criteria provided, multiple submitters, no conflicts (2 of 4 stars). 2 submissions from 2 submitters: Uncertain significance (2). Last evaluated 2023-08-11.

Conditions:
Familial sleep-related hypermotor epilepsy. Also called: Autosomal Dominant Sleep-Related Hypermotor (Hyperkinetic) Epilepsy. Identifiers: Orphanet 98784, MedGen C3696898, MONDO:0000030.

Allele frequency attached by ClinVar (database versions not stated): gnomAD exomes below 0.00001.

Submissions (2):

GeneDx
Classification: Uncertain significance. Last evaluated: 2023-08-11. Review status: criteria provided, single submitter. Criteria: GeneDx Variant Classification Process June 2021. Collection method: clinical testing. Allele origin: germline. Affected: yes.
Comment: Not observed at significant frequency in large population cohorts (gnomAD); In silico analysis supports that this missense variant has a deleterious effect on protein structure/function; Has not been previously published as pathogenic or benign to our knowledge

Labcorp Genetics (formerly Invitae), Labcorp
Classification: Uncertain significance. Last evaluated: 2018-06-24. Review status: criteria provided, single submitter. Criteria: Invitae Variant Classification Sherloc (09022015). Collection method: clinical testing. Allele origin: germline.
Comment: In summary, this variant is a novel missense change that is not predicted to affect protein function. There is no indication that it causes disease, but the available evidence is currently insufficient to prove that conclusively. Therefore, it has been classified as a Variant of Uncertain Significance. Algorithms developed to predict the effect of missense changes on protein structure and function (SIFT, PolyPhen-2, Align-GVGD) all suggest that this variant is likely to be tolerated, but these predictions have not been confirmed by published functional studies. This variant is not present in population databases (ExAC no frequency) and has not been reported in the literature in individuals with a CHRNB2-related disease. This sequence change replaces alanine with valine at codon 135 of the CHRNB2 protein (p.Ala135Val). The alanine residue is moderately conserved and there is a small physicochemical difference between alanine and valine.

NM_000748.3(CHRNB2):c.404C>T (p.Ala135Val)

Gene: CHRNB2 (cholinergic receptor nicotinic beta 2 subunit; plus strand). Cytogenetic location: 1q21.3.
Variant type: single nucleotide variant.
Coding change: c.404C>T on transcript NM_000748.3 (MANE Select); coding-DNA position 404, C replaced by T.
Protein change: p.Ala135Val; replaces alanine 135 with valine.
Molecular consequence: missense variant.
Genome position (GRCh38, 1-based): chr1:154,571,227, C>T. VCF-style: chr1-154571227-C-T. GRCh37 (hg19) VCF-style: chr1-154543703-C-T.
Other names: short protein forms A135V.
Identifiers: ClinVar variation 410309 (VCV000410309.9), dbSNP rs1060502835, ClinGen allele CA16609870.